The following is an entry in ClinVar:

ClinVar aggregate classification (germline): Pathogenic. Review status: criteria provided, multiple submitters, no conflicts (2 of 4 stars). 3 submissions from 3 submitters: Pathogenic (3). Last evaluated 2025-10-04.

Conditions:
Hereditary spastic paraplegia 4. Also called: Spastic paraplegia 4, autosomal dominant; Spastic Paraplegia 4; Familial spastic paraplegia autosomal dominant 2. Identifiers: Orphanet 100985, MedGen C1866855, MONDO:0008438, OMIM 182601.

Allele frequency attached by ClinVar (database versions not stated): gnomAD exomes below 0.00001.
gnomAD v4.1: 1 of 1,605,922 alleles (0.000062%); highest among the groups gnomAD compares: Non-Finnish European, 0.000085%; no homozygotes.

Submissions (3):

Labcorp Genetics (formerly Invitae), Labcorp
Classification: Pathogenic for Hereditary spastic paraplegia 4. Last evaluated: 2025-10-04. Review status: criteria provided, single submitter. Criteria: Invitae Variant Classification Sherloc (09022015). Collection method: clinical testing. Allele origin: germline.
Comment: This sequence change affects a donor splice site in intron 12 of the SPAST gene. It is expected to disrupt RNA splicing. Variants that disrupt the donor or acceptor splice site typically lead to a loss of protein function (PMID: 16199547), and loss-of-function variants in SPAST are known to be pathogenic (PMID: 20932283). This variant is not present in population databases (gnomAD no frequency). Disruption of this splice site has been observed in individuals with SPAST-related conditions (PMID: 20491894). It has also been observed to segregate with disease in related individuals. ClinVar contains an entry for this variant (Variation ID: 948187). Algorithms developed to predict the effect of sequence changes on RNA splicing suggest that this variant may disrupt the consensus splice site. For these reasons, this variant has been classified as Pathogenic.

GeneDx
Classification: Pathogenic. Last evaluated: 2025-06-27. Review status: criteria provided, single submitter. Criteria: GeneDx Variant Classification Process June 2021. Collection method: clinical testing. Allele origin: germline. Affected: yes.
Comment: Canonical splice site variant predicted to result in a null allele in a gene for which loss of function is a known mechanism of disease; Not observed at significant frequency in large population cohorts (gnomAD); This variant is associated with the following publications: (PMID: 20491894)

Athena Diagnostics
Classification: Pathogenic. Last evaluated: 2021-03-23. Review status: criteria provided, single submitter. Criteria: Athena Diagnostics criteria. Collection method: clinical testing. Allele origin: unknown.
Comment: This variant is expected to severely impact normal RNA splicing, and consequently, protein structure and/or function. This variant has not been reported in large, multi-ethnic general populations. This variant has been identified in at least one individual with clinical features associated with this gene.

Literature cited by the submitters: PubMed 16199547 (cited by Labcorp Genetics (formerly Invitae), Labcorp); PubMed 20932283 (cited by Labcorp Genetics (formerly Invitae), Labcorp); PubMed 20491894 (cited by Labcorp Genetics (formerly Invitae), Labcorp and Athena Diagnostics).

NM_014946.4(SPAST):c.1493+1G>A

Gene: SPAST (spastin; plus strand). Cytogenetic location: 2p22.3.
Variant type: single nucleotide variant.
Coding change: c.1493+1G>A on transcript NM_014946.4 (MANE Select); the canonical splice donor site of the intron after coding-DNA position 1493, G replaced by A.
Molecular consequence: splice donor variant.
Genome position (GRCh38, 1-based): chr2:32,137,189, G>A. VCF-style: chr2-32137189-G-A. GRCh37 (hg19) VCF-style: chr2-32362258-G-A.
Other names: c.1397+1G>A (NM_199436.2, NM_001377959.1); c.1490+1G>A (NM_001363823.2); c.1394+1G>A (NM_001363875.2).
Identifiers: ClinVar variation 948187 (VCV000948187.10), dbSNP rs1553318351, ClinGen allele CA346502550.
Genomic context (GRCh38, chr2:32,137,189, plus strand): 5'-CAGAGTACTTGTAATGGGTGCAACTAATAGGCCACAAGAGCTTGATGAGGCTGTTCTCAG[G>A]TAGGGAGATTTATATGGAAATACATGCATTTATTACAGACAATATTTACTCATGTGTCCA-3'